The following is an entry in ClinVar:

ClinVar aggregate classification (germline): Uncertain significance. Review status: criteria provided, multiple submitters, no conflicts (2 of 4 stars). 6 submissions from 6 submitters: Uncertain significance (5). 1 of the submissions does not count toward it. Last evaluated 2025-07-16.

Conditions:
Inborn genetic diseases. Identifiers: MedGen C0950123, MeSH D030342.
Joubert syndrome 1 (JBTS1). Also called: CEREBELLOPARENCHYMAL DISORDER IV; Cerebellooculorenal syndrome 1. Identifiers: MedGen C4551568, MONDO:0008944, OMIM 213300.
MORM syndrome (MORMS). Identifiers: Orphanet 75858, MedGen C1857802, MONDO:0012423, OMIM 610156.
Joubert syndrome. Also called: JOUBERT-BOLTSHAUSER SYNDROME; Familial aplasia of the vermis. Identifiers: Orphanet 475, MedGen C5979921, MONDO:0018772.
INPP5E-related disorder. Also called: INPP5E-related condition.

Allele frequency attached by ClinVar (database versions not stated): gnomAD exomes 0.00005 and 0.00007; ESP Exome Variant Server 0.00008; TOPMed 0.00009; ExAC 0.00011.

Submissions (6):

Ambry Genetics
Classification: Uncertain significance for Inborn genetic diseases. Last evaluated: 2025-07-16. Review status: criteria provided, single submitter. Criteria: Ambry Variant Classification Scheme 2023. Collection method: clinical testing. Allele origin: germline.

Labcorp Genetics (formerly Invitae), Labcorp
Classification: Uncertain significance for Joubert syndrome. Last evaluated: 2025-01-06. Review status: criteria provided, single submitter. Criteria: Invitae Variant Classification Sherloc (09022015). Collection method: clinical testing. Allele origin: germline.
Comment: This sequence change replaces valine, which is neutral and non-polar, with methionine, which is neutral and non-polar, at codon 178 of the INPP5E protein (p.Val178Met). This variant is present in population databases (rs376003129, gnomAD 0.01%). This variant has not been reported in the literature in individuals affected with INPP5E-related conditions. ClinVar contains an entry for this variant (Variation ID: 1007141). Invitae Evidence Modeling of protein sequence and biophysical properties (such as structural, functional, and spatial information, amino acid conservation, physicochemical variation, residue mobility, and thermodynamic stability) indicates that this missense variant is not expected to disrupt INPP5E protein function with a negative predictive value of 95%. In summary, the available evidence is currently insufficient to determine the role of this variant in disease. Therefore, it has been classified as a Variant of Uncertain Significance.

Blueprint Genetics
Classification: Uncertain significance. Last evaluated: 2024-11-18. Review status: criteria provided, single submitter. Criteria: ACMG Guidelines, 2015. Collection method: clinical testing. Allele origin: germline.

Fulgent Genetics
Classification: Uncertain significance for Joubert syndrome 1; MORM syndrome. Last evaluated: 2024-04-29. Review status: criteria provided, single submitter. Criteria: ACMG Guidelines, 2015. Collection method: clinical testing. Allele origin: germline.

Breakthrough Genomics
Classification: Uncertain significance. Review status: criteria provided, single submitter. Criteria: ACMG Guidelines, 2015. Collection method: not provided. Allele origin: germline. Inheritance: Autosomal recessive inheritance. Affected: yes.

PreventionGenetics, part of Exact Sciences
Classification: Uncertain significance for INPP5E-related condition. Last evaluated: 2024-03-07. Review status: no assertion criteria provided. Collection method: clinical testing. Allele origin: germline. Not counted in ClinVar's aggregate classification.
Comment: The INPP5E c.532G>A variant is predicted to result in the amino acid substitution p.Val178Met. This variant has been reported in an individual with Bardet–Biedl syndrome, who was also homozygous for a pathogenic variant in BBS2 gene (Manara et al. 2019. PubMed ID: 31196119). This variant is reported in 0.012% of alleles in individuals of European (Non-Finnish) descent in gnomAD. At this time, the clinical significance of this variant is uncertain due to the absence of conclusive functional and genetic evidence.

NM_019892.6(INPP5E):c.532G>A (p.Val178Met)

Gene: INPP5E (inositol polyphosphate-5-phosphatase E; minus strand). Cytogenetic location: 9q34.3.
Variant type: single nucleotide variant.
Coding change: c.532G>A on transcript NM_019892.6 (MANE Select); coding-DNA position 532, G replaced by A.
Protein change: p.Val178Met; replaces valine 178 with methionine.
Molecular consequence: missense variant.
Genome position (GRCh38, 1-based): chr9:136,438,888, C>T on the plus strand (G>A on the coding strand, the complement: INPP5E is on the minus strand). VCF-style: chr9-136438888-C-T. GRCh37 (hg19) VCF-style: chr9-139333340-C-T.
Other names: c.532G>A (NM_019892.4, NM_019892.5); c.532G>A, p.Val178Met (NM_001318502.2); short protein forms V178M.
Identifiers: ClinVar variation 1007141 (VCV001007141.12), dbSNP rs376003129, ClinGen allele CA5337143.